The following is an entry in ClinVar:

NM_000064.4(C3):c.2213A>T (p.His738Leu)

Gene: C3 (complement C3; minus strand). Cytogenetic location: 19p13.3.
Variant type: single nucleotide variant.
Coding change: c.2213A>T on transcript NM_000064.4 (MANE Select); coding-DNA position 2213, A replaced by T.
Protein change: p.His738Leu; replaces histidine 738 with leucine.
Molecular consequence: missense variant.
Genome position (GRCh38, 1-based): chr19:6,707,108, T>A on the plus strand (A>T on the coding strand, the complement: C3 is on the minus strand). VCF-style: chr19-6707108-T-A. GRCh37 (hg19) VCF-style: chr19-6707119-T-A.
Other names: short protein forms H738L.
Identifiers: ClinVar variation 4868035 (VCV004868035.1).

ClinVar aggregate classification (germline): Uncertain significance (1 of 4 stars; one submission).

Conditions:
Inborn genetic diseases. Identifiers: MedGen C0950123, MeSH D030342.

gnomAD v4.1: 3 of 1,611,608 alleles (0.00019%); highest among the groups gnomAD compares: African/African-American, 0.0027%; no homozygotes.

Submission:

Ambry Genetics
Classification: Uncertain significance for Inborn genetic diseases. Last evaluated: 2026-05-06. Review status: criteria provided, single submitter. Criteria: Ambry Variant Classification Scheme 2023. Collection method: clinical testing. Allele origin: germline.
Comment: The c.2213A>T (p.H738L) alteration is located in exon 17 (coding exon 17) of the C3 gene. This alteration results from a A to T substitution at nucleotide position 2213, causing the histidine (H) at amino acid position 738 to be replaced by a leucine (L). Based on data from gnomAD, the T allele has an overall frequency of <0.001% (1/248146) total alleles studied. The highest observed frequency was 0.006% (1/15956) of African alleles. Based on insufficient or conflicting evidence, the clinical significance of this alteration remains unclear.